The following is an entry in ClinVar:

ClinVar aggregate classification (germline): Likely benign. Review status: criteria provided, multiple submitters, no conflicts (2 of 4 stars). 2 submissions from 2 submitters: Likely benign (2). Last evaluated 2026-09-01.

Conditions:
Epidermolysis bullosa simplex 5C, with pyloric atresia (EBS5C). Also called: PLEC1-Related Epidermolysis Bullosa with Pyloric Atresia; PLEC-Related Epidermolysis Bullosa with Pyloric Atresia; Epidermolysis bullosa simplex with pyloric atresia. Identifiers: Orphanet 158684, MedGen C2677349, MONDO:0012807, OMIM 612138.
Autosomal recessive limb-girdle muscular dystrophy type 2Q (LGMDR17). Also called: MUSCULAR DYSTROPHY, LIMB-GIRDLE, AUTOSOMAL RECESSIVE 17. Identifiers: Orphanet 254361, MedGen C3150989, MONDO:0013390, OMIM 613723.
Epidermolysis bullosa simplex 5B, with muscular dystrophy (EBS5B). Also called: EPIDERMOLYSIS BULLOSA SIMPLEX AND LIMB-GIRDLE MUSCULAR DYSTROPHY; Epidermolysis bullosa simplex with muscular dystrophy. Identifiers: Orphanet 257, MedGen C2931072, MONDO:0009181, OMIM 226670.
Epidermolysis bullosa simplex with nail dystrophy (EBS5D). Identifiers: MedGen C4225309, MONDO:0014661, OMIM 616487.
Epidermolysis bullosa simplex, Ogna type (EBS5A). Also called: Pidermolysis bullosa simplex 5A, Ogna type; EPIDERMOLYSIS BULLOSA SIMPLEX 5A, OGNA TYPE. Identifiers: Orphanet 79401, MedGen C0432317, MONDO:0007555, OMIM 131950.

gnomAD v4.1: 1 of 1,602,210 alleles (0.000062%); highest among the groups gnomAD compares: Non-Finnish European, 0.000085%; no homozygotes.

Submissions (2):

CeGaT Center for Human Genetics Tuebingen
Classification: Likely benign. Last evaluated: 2026-09-01. Review status: criteria provided, single submitter. Criteria: CeGaT Center For Human Genetics Tuebingen Variant Classification Criteria Version 2. Collection method: clinical testing. Allele origin: germline. Affected: yes. Observed: 1 variant allele.
Comment: PLEC: BP4, BP7

Labcorp Genetics (formerly Invitae), Labcorp
Classification: Likely benign for Autosomal recessive limb-girdle muscular dystrophy type 2Q; Epidermolysis bullosa simplex, Ogna type; Epidermolysis bullosa simplex with nail dystrophy; Epidermolysis bullosa simplex 5C, with pyloric atresia; Epidermolysis bullosa simplex 5B, with muscular dystrophy. Last evaluated: 2022-10-25. Review status: criteria provided, single submitter. Criteria: Invitae Variant Classification Sherloc (09022015). Collection method: clinical testing. Allele origin: germline.

NM_201384.3(PLEC):c.3124C>A (p.Arg1042=)

Gene: PLEC (plectin; minus strand). Cytogenetic location: 8q24.3.
Variant type: single nucleotide variant.
Coding change: c.3124C>A on transcript NM_201384.3 (MANE Select); coding-DNA position 3124, C replaced by A.
Protein change: p.Arg1042=; no amino-acid change (arginine 1042 retained).
Molecular consequence: synonymous variant.
Genome position (GRCh38, 1-based): chr8:143,929,239, G>T on the plus strand (C>A on the coding strand, the complement: PLEC is on the minus strand). VCF-style: chr8-143929239-G-T. GRCh37 (hg19) VCF-style: chr8-145003407-G-T.
Other names: c.3205C>A, p.Arg1069= (NM_000445.5); c.3082C>A, p.Arg1028= (NM_201378.4); c.3058C>A, p.Arg1020= (NM_201379.3); c.3535C>A, p.Arg1179= (NM_201380.4); c.3028C>A, p.Arg1010= (NM_201381.3); c.3124C>A, p.Arg1042= (NM_201382.4); c.3136C>A, p.Arg1046= (NM_201383.3).
Identifiers: ClinVar variation 1618400 (VCV001618400.9), dbSNP rs367740468, ClinGen allele CA463433679.